The following is an entry in ClinVar:

ClinVar aggregate classification (germline): Benign (1 of 4 stars; one submission).

Submission:

GeneDx
Classification: Benign. Last evaluated: 2018-06-14. Review status: criteria provided, single submitter. Criteria: GeneDx Variant Classification (06012015). Collection method: clinical testing. Allele origin: germline. Affected: yes.
Comment: This variant is considered likely benign or benign based on one or more of the following criteria: it is a conservative change, it occurs at a poorly conserved position in the protein, it is predicted to be benign by multiple in silico algorithms, and/or has population frequency not consistent with disease.

NM_139276.3(STAT3):c.550+190_550+229del

Gene: STAT3 (signal transducer and activator of transcription 3; minus strand). Cytogenetic location: 17q21.2.
Variant type: Deletion.
Coding change: c.550+190_550+229del on transcript NM_139276.3 (MANE Select); bases 190 to 229 of the intron after coding-DNA position 550, 40 bases deleted.
Molecular consequence: intron variant.
Genome position (GRCh38, 1-based): chr17:42,338,502-42,338,541, 40 bases deleted; deleting any 40 consecutive bases within chr17:42,338,502-42,338,560 gives the same sequence; the c. name uses the placement nearest the transcript's 3' end. GRCh37 (hg19): chr17:40,490,539-40,490,578.
Other names: c.550+171_550+210del40 (NM_139276.2); c.454+190_454+229del (NM_001384989.1); c.550+190_550+229del (NM_001384992.1, NM_001384984.1, NM_001369519.1 and 15 more transcripts); c.472+190_472+229del (NM_001384985.1).
Identifiers: ClinVar variation 677146 (VCV000677146.1), dbSNP rs1567722624, ClinGen allele CA626050163.